The following is an entry in ClinVar:

NM_000218.3(KCNQ1):c.1121T>A (p.Leu374His)

Gene: KCNQ1 (potassium voltage-gated channel subfamily Q member 1; plus strand). Cytogenetic location: 11p15.5.
Variant type: single nucleotide variant.
Coding change: c.1121T>A on transcript NM_000218.3 (MANE Select); coding-DNA position 1121, T replaced by A.
Protein change: p.Leu374His; replaces leucine 374 with histidine.
Molecular consequence: missense variant.
Genome position (GRCh38, 1-based): chr11:2,585,300, T>A. VCF-style: chr11-2585300-T-A. GRCh37 (hg19) VCF-style: chr11-2606530-T-A.
Other names: p.L374H:CTC>CAC; c.1121T>A (LRG_287t1); c.851T>A, p.Leu284His (NM_001406837.1); c.740T>A, p.Leu247His (NM_181798.2); short protein forms L374H, L247H, L284H.
Identifiers: ClinVar variation 52961 (VCV000052961.35), dbSNP rs199472767, ClinGen allele CA005326.

ClinVar aggregate classification (germline): Pathogenic/Likely pathogenic. Review status: criteria provided, multiple submitters, no conflicts (2 of 4 stars). 7 submissions from 7 submitters: Pathogenic (4); Likely pathogenic (2). 1 of the submissions does not count toward it. Last evaluated 2026-08-16.

Conditions:
Cardiovascular phenotype. Identifiers: MedGen CN230736.
Cardiac arrhythmia. Also called: Arrhythmia; Cardiac rhythm disease. Identifiers: MedGen C0003811, MONDO:0007263, HP:0011675.
Familial long QT syndrome (RWS). Also called: Congenital long QT syndrome; Romano-Ward syndrome; VENTRICULAR FIBRILLATION WITH PROLONGED QT INTERVAL. Identifiers: Orphanet 768, MedGen C1141890, MONDO:0019171.
Long QT syndrome (LQTS). Identifiers: MedGen C0023976, MeSH D008133, MONDO:0002442. Disease mechanism: loss of function. Inheritance: Various modes of inheritance.

Allele frequency attached by ClinVar (database versions not stated): gnomAD exomes below 0.00001.
gnomAD v4.1: 1 of 1,613,764 alleles (0.000062%); highest among the groups gnomAD compares: Admixed American, 0.0017%; no homozygotes.

Submissions (7):

GeneDx
Classification: Likely pathogenic. Last evaluated: 2026-08-16. Review status: criteria provided, single submitter. Criteria: GeneDx Variant Classification Process June 2021. Collection method: clinical testing. Allele origin: germline.
Comment: Published in vitro functional studies suggest this variant may damage channel function; however, additional studies are needed to validate the effect of this variant (PMID: 31899541); Not observed at significant frequency in large population cohorts (gnomAD); In silico analysis supports that this missense variant has a deleterious effect on protein structure/function; This variant is associated with the following publications: (PMID: 19716085, 22581653, 30669290, 28569743, 30937429, 26659599, 15840476, 38255832, 31899541, 31229680, 36496179, 41299264, 38763038)

Labcorp Genetics (formerly Invitae), Labcorp
Classification: Pathogenic for Long QT syndrome. Last evaluated: 2025-11-27. Review status: criteria provided, single submitter. Criteria: Invitae Variant Classification Sherloc (09022015). Collection method: clinical testing. Allele origin: germline.
Comment: This sequence change replaces leucine, which is neutral and non-polar, with histidine, which is basic and polar, at codon 374 of the KCNQ1 protein (p.Leu374His). This variant is present in population databases (rs199472767, gnomAD 0.003%). This missense change has been observed in individuals with long QT syndrome (PMID: 31899541; internal data). It has also been observed to segregate with disease in related individuals. ClinVar contains an entry for this variant (Variation ID: 52961). Invitae Evidence Modeling of protein sequence and biophysical properties (such as structural, functional, and spatial information, amino acid conservation, physicochemical variation, residue mobility, and thermodynamic stability) indicates that this missense variant is expected to disrupt KCNQ1 protein function with a positive predictive value of 95%. Experimental studies have shown that this missense change affects KCNQ1 function (PMID: 31899541). For these reasons, this variant has been classified as Pathogenic.

Mayo Clinic Laboratories, Mayo Clinic
Classification: Pathogenic. Last evaluated: 2024-07-22. Review status: criteria provided, single submitter. Criteria: ACMG Guidelines, 2015. Collection method: clinical testing. Allele origin: germline.
Comment: PP1_strong, PP3, PS3_moderate, PS4

Color Diagnostics, LLC DBA Color Health
Classification: Pathogenic for Cardiac arrhythmia. Last evaluated: 2023-11-02. Review status: criteria provided, single submitter. Criteria: ACMG Guidelines, 2015. Collection method: clinical testing. Allele origin: germline.
Comment: This missense variant replaces leucine with histidine at codon 374 of the KCNQ1 protein. This variant is found within a highly conserved region (a.a. 349-391) in the C-terminal cytoplasmic domain. Rare non-truncating variants in this region have been shown to be significantly overrepresented in individuals with long QT syndrome (PMID: 32893267). A functional study has shown that this variant causes retention of the channels in the endoplasmic reticulum and complete loss of potassium current (PMID: 31899541). This variant has been reported in over ten unrelated individuals affected with long QT syndrome or referred for long QT syndrome genetic testing (PMID: 15840476, 19716085, 31899541, ClinVar SCV000737968.4, SCV000073978.8, SCV000280141.2, SCV000234478.14). It has also been shown that this variant segregates with long QT syndrome in six individuals from a family (PMID: 31899541). This variant has been identified in 1/251078 chromosomes in the general population by the Genome Aggregation Database (gnomAD). Based on the available evidence, this variant is classified as Pathogenic.

Ambry Genetics
Classification: Pathogenic for Cardiovascular phenotype. Last evaluated: 2023-10-31. Review status: criteria provided, single submitter. Criteria: Ambry Variant Classification Scheme 2023. Collection method: clinical testing. Allele origin: germline.
Comment: The p.L374H pathogenic mutation (also known as c.1121T>A), located in coding exon 8 of the KCNQ1 gene, results from a T to A substitution at nucleotide position 1121. The leucine at codon 374 is replaced by histidine, an amino acid with similar properties. This alteration has been reported in more than ten individuals with prolonged QT intervals and other phenotypes consistent with long QT syndrome and has been shown to segregate with disease in one family (Tester DJ et al. Heart Rhythm. 2005;2:507-17; Kapplinger JD et al. Heart Rhythm. 2009;6:1297-303; Hammami Bomholtz S et al. Pacing Clin Electrophysiol, 2020 02;43:210-216; Ambry internal data; GeneDx pers. comm.; Invitae pers. comm.). Functional studies suggest that this alteration altered ion channel function (Hammami Bomholtz S et al. Pacing Clin Electrophysiol, 2020 02;43:210-216). This amino acid position is highly conserved in available vertebrate species. In addition, this alteration is predicted to be deleterious by in silico analysis. This variant is considered to be rare based on population cohorts in the Genome Aggregation Database (gnomAD). Based on the supporting evidence, this alteration is interpreted as a disease-causing mutation.

Stanford Center for Inherited Cardiovascular Disease, Stanford University
Classification: Likely pathogenic. Last evaluated: 2016-04-20. Review status: criteria provided, single submitter. Criteria: ACMG Guidelines, 2015. Collection method: provider interpretation. Allele origin: germline.

Cardiovascular Biomedical Research Unit, Royal Brompton & Harefield NHS Foundation Trust
No classification provided. Condition: Familial long QT syndrome. Review status: no classification provided. Collection method: literature only. Allele origin: germline. Not counted in ClinVar's aggregate classification.
Comment: This variant has been reported as associated with Long QT syndrome in the following publications (PMID:15840476;PMID:19716085). This is a literature report, and does not necessarily reflect the clinical interpretation of the Imperial College / Royal Brompton Cardiovascular Genetics laboratory.

Literature cited by the submitters: PubMed 31899541 (cited by 4 submitters); PubMed 15840476 (cited by 4 submitters); PubMed 19716085 (cited by 4 submitters); PubMed 32893267 (cited by Color Diagnostics, LLC DBA Color Health); PubMed 22581653 (cited by Cardiovascular Biomedical Research Unit, Royal Brompton & Harefield NHS Foundation Trust).